The following is an entry in ClinVar:

ClinVar aggregate classification (germline): Uncertain significance (1 of 4 stars; one submission).

Conditions:
Cardiomyopathy (CMYO). Also called: Cardiomyopathies. Identifiers: Orphanet 167848, MedGen C0878544, MONDO:0004994, HP:0001638. Inheritance: Various modes of inheritance.

Submission:

Color Diagnostics, LLC DBA Color Health
Classification: Uncertain significance for Cardiomyopathy. Last evaluated: 2024-08-05. Review status: criteria provided, single submitter. Criteria: ACMG Guidelines, 2015. Collection method: clinical testing. Allele origin: germline.
Comment: This missense variant replaces histidine with glutamine at codon 257 of the MYBPC3 protein. Computational prediction tools indicate that this variant has a neutral impact on protein structure and function. To our knowledge, functional studies have not been reported for this variant. This variant has not been reported in individuals affected with MYBPC3-related disorders in the literature. This variant has not been identified in the general population by the Genome Aggregation Database (gnomAD). The available evidence is insufficient to determine the role of this variant in disease conclusively. Therefore, this variant is classified as a Variant of Uncertain Significance.

NM_000256.3(MYBPC3):c.771C>A (p.His257Gln)

Gene: MYBPC3 (myosin binding protein C3; minus strand). Cytogenetic location: 11p11.2.
Variant type: single nucleotide variant.
Coding change: c.771C>A on transcript NM_000256.3 (MANE Select); coding-DNA position 771, C replaced by A.
Protein change: p.His257Gln; replaces histidine 257 with glutamine.
Molecular consequence: missense variant.
Genome position (GRCh38, 1-based): chr11:47,348,425, G>T on the plus strand (C>A on the coding strand, the complement: MYBPC3 is on the minus strand). VCF-style: chr11-47348425-G-T. GRCh37 (hg19) VCF-style: chr11-47369976-G-T.
Other names: short protein forms H257Q.
Identifiers: ClinVar variation 3894013 (VCV003894013.1).